The following is an entry in ClinVar:

NC_000002.11:g.(?_170338741)_(170343664_?)del

Gene: BBS5 (Bardet-Biedl syndrome 5; plus strand). Cytogenetic location: 2q31.1.
Variant type: Deletion.
Identifiers: ClinVar variation 3247206 (VCV003247206.1).

ClinVar aggregate classification (germline): Pathogenic (1 of 4 stars; one submission).

Conditions:
Bardet-Biedl syndrome (BBS). Identifiers: Orphanet 110, MedGen C0752166, MONDO:0015229.

Submission:

Labcorp Genetics (formerly Invitae), Labcorp
Classification: Pathogenic for Bardet-Biedl syndrome. Last evaluated: 2023-11-14. Review status: criteria provided, single submitter. Criteria: Invitae Variant Classification Sherloc (09022015). Collection method: clinical testing. Allele origin: unknown.
Comment: This variant is a gross deletion of the genomic region encompassing exon(s) 2-3 of the BBS5 gene. This deletion is out-of-frame, and is expected to create a premature termination codon and result in an absent or disrupted protein product. Loss-of-function variants in BBS5 are known to be pathogenic (PMID: 15137946, 16877420, 26325687, 27708425, 28041643, 29806606). This variant has not been reported in the literature in individuals affected with BBS5-related conditions. For these reasons, this variant has been classified as Pathogenic.

Literature cited by the submitters: PubMed 15137946; PubMed 16877420; PubMed 26325687; PubMed 27708425; PubMed 28041643; PubMed 29806606.